The following is an entry in ClinVar:

ClinVar aggregate classification (germline): Pathogenic (1 of 4 stars; one submission).

Conditions:
Familial adenomatous polyposis 1 (FAP1). Also called: FAMILIAL ADENOMATOUS POLYPOSIS 1, ATTENUATED; POLYPOSIS, ADENOMATOUS INTESTINAL. Identifiers: MedGen C2713442, MONDO:0021056, OMIM 175100. Disease mechanism: loss of function.

Submission:

Myriad Genetics, Inc.
Classification: Pathogenic for Familial adenomatous polyposis 1. Last evaluated: 2023-05-10. Review status: criteria provided, single submitter. Criteria: Myriad Autosomal Dominant, Autosomal Recessive and X-Linked Classification Criteria (2023). Collection method: clinical testing. Allele origin: unknown.
Comment: This variant is considered pathogenic. This variant creates a frameshift predicted to result in premature protein truncation.

NM_000038.6(APC):c.4160_4161del (p.Cys1387fs)

Gene: APC (APC regulator of Wnt signaling pathway; plus strand). Cytogenetic location: 5q22.2.
Variant type: Deletion.
Coding change: c.4160_4161del on transcript NM_000038.6 (MANE Select); coding-DNA positions 4160 to 4161, 2 bases deleted (GT; older notation c.4160_4161delGT).
Protein change: p.Cys1387fs; shifts the reading frame from cysteine 1387.
Molecular consequence: frameshift variant. On other transcripts: non-coding transcript variant (2).
Genome position (GRCh38, 1-based): chr5:112,839,754-112,839,755, GT deleted; deleting any 2 consecutive bases within chr5:112,839,753-112,839,755 gives the same sequence; the c. name uses the placement nearest the transcript's 3' end. VCF-style (leftmost placement, unchanged base first): chr5-112839752-ATG-A. GRCh37 (hg19) VCF-style: chr5-112175449-ATG-A.
Other names: c.4160_4161del, p.Cys1387fs (NM_001127510.3, NM_001354895.2, NM_001407450.1); c.4106_4107del, p.Cys1369fs (NM_001127511.3); c.4214_4215del, p.Cys1405fs (NM_001354896.2, NM_001407447.1, NM_001407448.1 and 1 more transcripts); c.4190_4191del, p.Cys1397fs (NM_001354897.2); c.4085_4086del, p.Cys1362fs (NM_001354898.2); c.4076_4077del, p.Cys1359fs (NM_001354899.2); c.4037_4038del, p.Cys1346fs (NM_001354900.2); c.3983_3984del, p.Cys1328fs (NM_001354901.2, NM_001407453.1); and 11 more; short protein forms C1003fs, C1104fs, C1227fs, C1258fs, C1261fs, C1286fs, C1296fs, C1304fs.
Identifiers: ClinVar variation 2584265 (VCV002584265.1), dbSNP rs2533553014, ClinGen allele CA2582341559.